The following is an entry in ClinVar:

NM_153676.4(USH1C):c.2280+10C>T

Gene: USH1C (USH1 protein network component harmonin; minus strand). Cytogenetic location: 11p15.1.
Variant type: single nucleotide variant.
Coding change: c.2280+10C>T on transcript NM_153676.4 (MANE Select); 10 bases into the intron after coding-DNA position 2280, C replaced by T.
Molecular consequence: intron variant.
Genome position (GRCh38, 1-based): chr11:17,501,472, G>A on the plus strand (C>T on the coding strand, the complement: USH1C is on the minus strand). VCF-style: chr11-17501472-G-A. GRCh37 (hg19) VCF-style: chr11-17523019-G-A.
Other names: c.1323+10C>T (NM_001297764.2); c.1380+10C>T (NM_005709.4).
Identifiers: ClinVar variation 1932396 (VCV001932396.5), dbSNP rs1284812303, ClinGen allele CA597674458.

ClinVar aggregate classification (germline): Uncertain significance (1 of 4 stars; one submission).

Allele frequency attached by ClinVar (database versions not stated): gnomAD exomes below 0.00001; gnomAD 0.00001.
gnomAD v4.1: 7 of 1,612,346 alleles (0.00043%); highest among the groups gnomAD compares: Non-Finnish European, 0.00059%; no homozygotes.

Submission:

Labcorp Genetics (formerly Invitae), Labcorp
Classification: Uncertain significance. Last evaluated: 2022-06-08. Review status: criteria provided, single submitter. Criteria: Invitae Variant Classification Sherloc (09022015). Collection method: clinical testing. Allele origin: germline.
Comment: Algorithms developed to predict the effect of sequence changes on RNA splicing suggest that this variant may create or strengthen a splice site. In summary, the available evidence is currently insufficient to determine the role of this variant in disease. Therefore, it has been classified as a Variant of Uncertain Significance. This variant has not been reported in the literature in individuals affected with USH1C-related conditions. This variant is present in population databases (no rsID available, gnomAD 0.0009%). This sequence change falls in intron 17 of the USH1C gene. It does not directly change the encoded amino acid sequence of the USH1C protein.